The following is an entry in ClinVar:

ClinVar aggregate classification (germline): Uncertain significance (1 of 4 stars; one submission).

Conditions:
Inborn genetic diseases. Identifiers: MedGen C0950123, MeSH D030342.

gnomAD v4.1: 3 of 1,613,870 alleles (0.00019%); highest among the groups gnomAD compares: Non-Finnish European, 0.00025%; no homozygotes.

Submission:

Ambry Genetics
Classification: Uncertain significance for Inborn genetic diseases. Last evaluated: 2026-09-12. Review status: criteria provided, single submitter. Criteria: Ambry Variant Classification Scheme 2023. Collection method: clinical testing. Allele origin: germline.
Comment: The p.V372A variant (also known as c.1115T>C), located in coding exon 5 of the SH2B3 gene, results from a T to C substitution at nucleotide position 1115. The valine at codon 372 is replaced by alanine, an amino acid with similar properties. This amino acid position is conserved. In addition, the in silico prediction for this alteration is inconclusive. Based on the available evidence, the clinical significance of this variant remains unclear.

NM_005475.3(SH2B3):c.1115T>C (p.Val372Ala)

Gene: SH2B3 (SH2B adaptor protein 3; plus strand). Cytogenetic location: 12q24.12.
Variant type: single nucleotide variant.
Coding change: c.1115T>C on transcript NM_005475.3 (MANE Select); coding-DNA position 1115, T replaced by C.
Protein change: p.Val372Ala; replaces valine 372 with alanine.
Molecular consequence: missense variant.
Genome position (GRCh38, 1-based): chr12:111,447,423, T>C. VCF-style: chr12-111447423-T-C. GRCh37 (hg19) VCF-style: chr12-111885227-T-C.
Other names: c.509T>C, p.Val170Ala (NM_001291424.1); short protein forms V372A, V170A.
Identifiers: ClinVar variation 5029524 (VCV005029524.1).